The following is an entry in ClinVar:

ClinVar aggregate classification (germline): Likely benign (0 of 4 stars; one submission).

Conditions:
IGF1R-related disorder. Also called: IGF1R-related condition.

gnomAD v4.1: 3 of 1,613,800 alleles (0.00019%); highest among the groups gnomAD compares: African/African-American, 0.004%; no homozygotes.

Submission:

PreventionGenetics, part of Exact Sciences
Classification: Likely benign for IGF1R-related condition. Last evaluated: 2019-08-10. Review status: no assertion criteria provided. Collection method: clinical testing. Allele origin: germline.
Comment: This variant is classified as likely benign based on ACMG/AMP sequence variant interpretation guidelines (Richards et al. 2015 PMID: 25741868, with internal and published modifications).

NM_000875.5(IGF1R):c.3060T>C (p.Gly1020=)

Gene: IGF1R (insulin like growth factor 1 receptor; plus strand). Cytogenetic location: 15q26.3.
Variant type: single nucleotide variant.
Coding change: c.3060T>C on transcript NM_000875.5 (MANE Select); coding-DNA position 3060, T replaced by C.
Protein change: p.Gly1020=; no amino-acid change (glycine 1020 retained).
Molecular consequence: synonymous variant.
Genome position (GRCh38, 1-based): chr15:98,934,927, T>C. VCF-style: chr15-98934927-T-C. GRCh37 (hg19) VCF-style: chr15-99478156-T-C.
Other names: c.3057T>C, p.Gly1019= (NM_001291858.2).
Identifiers: ClinVar variation 3358149 (VCV003358149.1).